The following is an entry in ClinVar:

ClinVar aggregate classification (germline): Uncertain significance. Review status: criteria provided, multiple submitters, no conflicts (2 of 4 stars). 5 submissions from 5 submitters: Uncertain significance (5). Last evaluated 2025-09-05.

Conditions:
Cystic fibrosis (CF). Also called: MUCOVISCIDOSIS. Identifiers: Orphanet 586, MedGen C0010674, MONDO:0009061, OMIM 219700. Disease mechanism: loss of function.

gnomAD v4.1: 12 of 1,613,890 alleles (0.00074%); highest among the groups gnomAD compares: Admixed American, 0.0017%; no homozygotes.

Submissions (5):

Ambry Genetics
Classification: Uncertain significance for Cystic fibrosis. Last evaluated: 2025-09-05. Review status: criteria provided, single submitter. Criteria: Ambry Variant Classification Scheme 2023. Collection method: clinical testing. Allele origin: germline.
Comment: The p.L233F variant (also known as c.697C>T), located in coding exon 6 of the CFTR gene, results from a C to T substitution at nucleotide position 697. The leucine at codon 233 is replaced by phenylalanine, an amino acid with highly similar properties. This amino acid position is not well conserved in available vertebrate species. In addition, the in silico prediction for this alteration is inconclusive. Based on the available evidence, the clinical significance of this variant remains unclear.

Labcorp Genetics (formerly Invitae), Labcorp
Classification: Uncertain significance for Cystic fibrosis. Last evaluated: 2024-11-20. Review status: criteria provided, single submitter. Criteria: Invitae Variant Classification Sherloc (09022015). Collection method: clinical testing. Allele origin: germline.
Comment: This sequence change replaces leucine, which is neutral and non-polar, with phenylalanine, which is neutral and non-polar, at codon 233 of the CFTR protein (p.Leu233Phe). This variant is not present in population databases (gnomAD no frequency). This variant has not been reported in the literature in individuals affected with CFTR-related conditions. ClinVar contains an entry for this variant (Variation ID: 1330412). Invitae Evidence Modeling of protein sequence and biophysical properties (such as structural, functional, and spatial information, amino acid conservation, physicochemical variation, residue mobility, and thermodynamic stability) has been performed for this missense variant. However, the output from this modeling did not meet the statistical confidence thresholds required to predict the impact of this variant on CFTR protein function. In summary, the available evidence is currently insufficient to determine the role of this variant in disease. Therefore, it has been classified as a Variant of Uncertain Significance.

Johns Hopkins Genomics, Johns Hopkins University
Classification: Uncertain significance for Cystic fibrosis. Last evaluated: 2023-09-13. Review status: criteria provided, single submitter. Criteria: ACMG Guidelines, 2015. Collection method: clinical testing. Allele origin: germline.

MGZ Medical Genetics Center
Classification: Uncertain significance for Cystic fibrosis. Last evaluated: 2021-08-26. Review status: criteria provided, single submitter. Criteria: ACMG Guidelines, 2015. Collection method: clinical testing. Allele origin: germline. Affected: yes. Observed: 1 variant allele.
Comment: ACMG criteria applied: PM2_SUP

ARUP Laboratories, Molecular Genetics and Genomics, ARUP Laboratories
Classification: Uncertain significance. Last evaluated: 2021-04-06. Review status: criteria provided, single submitter. Criteria: ARUP Molecular Germline Variant Investigation Process 2021. Collection method: clinical testing. Allele origin: germline.
Comment: The CFTR c.697C>T; p.Leu233Phe variant (rs775713428), to our knowledge, is not reported in the medical literature but is reported in the SickKids CFTR database (see link). This variant is absent from the Genome Aggregation Database, indicating it is not a common polymorphism. The leucine at codon 233 is moderately conserved, but computational analyses are uncertain whether this variant is neutral or deleterious (REVEL: 0.492). However, given the lack of clinical and functional data, the significance of the p.Leu233Phe variant is uncertain at this time. References: Link to SickKids CFTR database

Literature cited by the submitters: PubMed 27912062 (cited by Johns Hopkins Genomics, Johns Hopkins University).

NM_000492.4(CFTR):c.697C>T (p.Leu233Phe)

Gene: CFTR (CF transmembrane conductance regulator; plus strand). Cytogenetic location: 7q31.2.
Variant type: single nucleotide variant.
Coding change: c.697C>T on transcript NM_000492.4 (MANE Select); coding-DNA position 697, C replaced by T.
Protein change: p.Leu233Phe; replaces leucine 233 with phenylalanine.
Molecular consequence: missense variant.
Genome position (GRCh38, 1-based): chr7:117,535,365, C>T. VCF-style: chr7-117535365-C-T. GRCh37 (hg19) VCF-style: chr7-117175419-C-T.
Other names: c.697C>T (NM_000492.3); short protein forms L233F.
Identifiers: ClinVar variation 1330412 (VCV001330412.13), dbSNP rs775713428, ClinGen allele CA164945666.